The following is an entry in ClinVar:

ClinVar aggregate classification (germline): Uncertain significance (1 of 4 stars; one submission).

Conditions:
Purine-nucleoside phosphorylase deficiency. Also called: Immunodeficiency due to purine nucleoside phosphorylase deficiency; NUCLEOSIDE PHOSPHORYLASE DEFICIENCY. Identifiers: Orphanet 760, MedGen C0268125, MONDO:0013171, OMIM 613179.

Allele frequency attached by ClinVar (database versions not stated): gnomAD exomes below 0.00001.
gnomAD v4.1: 5 of 1,614,232 alleles (0.00031%); highest among the groups gnomAD compares: Non-Finnish European, 0.00042%; no homozygotes.

Submission:

Labcorp Genetics (formerly Invitae), Labcorp
Classification: Uncertain significance for Purine-nucleoside phosphorylase deficiency. Last evaluated: 2020-07-24. Review status: criteria provided, single submitter. Criteria: Invitae Variant Classification Sherloc (09022015). Collection method: clinical testing. Allele origin: germline.
Comment: In summary, the available evidence is currently insufficient to determine the role of this variant in disease. Therefore, it has been classified as a Variant of Uncertain Significance. Algorithms developed to predict the effect of missense changes on protein structure and function are either unavailable or do not agree on the potential impact of this missense change (SIFT: "Tolerated"; PolyPhen-2: "Probably Damaging"; Align-GVGD: "Class C0"). This variant has not been reported in the literature in individuals with PNP-related conditions. This variant is not present in population databases (ExAC no frequency). This sequence change replaces glycine with alanine at codon 118 of the PNP protein (p.Gly118Ala). The glycine residue is highly conserved and there is a small physicochemical difference between glycine and alanine.

NM_000270.4(PNP):c.353G>C (p.Gly118Ala)

Gene: PNP (purine nucleoside phosphorylase; plus strand). Cytogenetic location: 14q11.2.
Variant type: single nucleotide variant.
Coding change: c.353G>C on transcript NM_000270.4 (MANE Select); coding-DNA position 353, G replaced by C.
Protein change: p.Gly118Ala; replaces glycine 118 with alanine.
Molecular consequence: missense variant.
Genome position (GRCh38, 1-based): chr14:20,474,840, G>C. VCF-style: chr14-20474840-G-C. GRCh37 (hg19) VCF-style: chr14-20942999-G-C.
Other names: short protein forms G118A.
Identifiers: ClinVar variation 1046176 (VCV001046176.7), dbSNP rs1882064237, ClinGen allele CA389145210.
Genomic context (GRCh38, chr14:20,474,840, plus strand): 5'-TCCCAGTGAGGGTTTTCCACCTTCTGGGTGTGGACACCCTGGTAGTCACCAATGCAGCAG[G>C]AGGGCTGAACCCCAAGTTTGAGGTTGGAGATATCATGCTGATCCGTGACCATATCAACCT-3'
Protein context (NP_000261.2, residues 108-128): VDTLVVTNAA[Gly118Ala]GLNPKFEVGD